The following is an entry in ClinVar:

NM_001258392.3(CLPB):c.2002C>G (p.Leu668Val)

Gene: CLPB (ClpB family mitochondrial disaggregase; minus strand). Cytogenetic location: 11q13.4.
Variant type: single nucleotide variant.
Coding change: c.2002C>G on transcript NM_001258392.3 (MANE Select); coding-DNA position 2002, C replaced by G.
Protein change: p.Leu668Val; replaces leucine 668 with valine.
Molecular consequence: missense variant.
Genome position (GRCh38, 1-based): chr11:72,293,399, G>C on the plus strand (C>G on the coding strand, the complement: CLPB is on the minus strand). VCF-style: chr11-72293399-G-C. GRCh37 (hg19) VCF-style: chr11-72004443-G-C.
Other names: c.1915C>G, p.Leu639Val (NM_001258393.3); c.1957C>G, p.Leu653Val (NM_001258394.3); c.2092C>G, p.Leu698Val (NM_030813.6); short protein forms L698V, L653V, L668V, L639V.
Identifiers: ClinVar variation 4615966 (VCV004615966.2).

ClinVar aggregate classification (germline): Uncertain significance. Review status: criteria provided, multiple submitters, no conflicts (2 of 4 stars). 2 submissions from 2 submitters: Uncertain significance (2). Last evaluated 2025-10-01.

Conditions:
3-methylglutaconic aciduria, type VIIB (MGCA7B). Also called: 3-methylglutaconic aciduria with cataracts, neurologic involvement and neutropenia; CLPB Deficiency; 3-methylglutaconic aciduria, type VII, with cataracts, neurologic involvement and neutropenia. Identifiers: Orphanet 445038, MedGen C5676893, MONDO:0014561, OMIM 616271.
Inborn genetic diseases. Identifiers: MedGen C0950123, MeSH D030342.

gnomAD v4.1: 10 of 1,614,076 alleles (0.00062%); highest among the groups gnomAD compares: Non-Finnish European, 0.00085%; no homozygotes.

Submissions (2):

Labcorp Genetics (formerly Invitae), Labcorp
Classification: Uncertain significance for 3-methylglutaconic aciduria, type VIIB. Last evaluated: 2025-10-01. Review status: criteria provided, single submitter. Criteria: Invitae Variant Classification Sherloc (09022015). Collection method: clinical testing. Allele origin: germline.
Comment: This sequence change replaces leucine, which is neutral and non-polar, with valine, which is neutral and non-polar, at codon 698 of the CLPB protein (p.Leu698Val). This variant is not present in population databases (gnomAD no frequency). This variant has not been reported in the literature in individuals affected with CLPB-related conditions. An algorithm developed to predict the effect of missense changes on protein structure and function (PolyPhen-2) suggests that this variant is likely to be tolerated. In summary, the available evidence is currently insufficient to determine the role of this variant in disease. Therefore, it has been classified as a Variant of Uncertain Significance.

Ambry Genetics
Classification: Uncertain significance for Inborn genetic diseases. Last evaluated: 2025-09-25. Review status: criteria provided, single submitter. Criteria: Ambry Variant Classification Scheme 2023. Collection method: clinical testing. Allele origin: germline.